The following is an entry in ClinVar:

ClinVar aggregate classification (germline): Uncertain significance. Review status: criteria provided, multiple submitters, no conflicts (2 of 4 stars). 3 submissions from 3 submitters: Uncertain significance (3). Last evaluated 2024-12-09.

Allele frequency attached by ClinVar (database versions not stated): ExAC 0.00004; gnomAD exomes 0.00004 and 0.00006; TOPMed 0.00010; gnomAD 0.00014; ESP Exome Variant Server 0.00015.

Submissions (3):

Labcorp Genetics (formerly Invitae), Labcorp
Classification: Uncertain significance. Last evaluated: 2024-12-09. Review status: criteria provided, single submitter. Criteria: Invitae Variant Classification Sherloc (09022015). Collection method: clinical testing. Allele origin: germline.
Comment: This sequence change replaces arginine, which is basic and polar, with tryptophan, which is neutral and slightly polar, at codon 737 of the ZNF341 protein (p.Arg737Trp). This variant is present in population databases (rs139969272, gnomAD 0.06%). This variant has not been reported in the literature in individuals affected with ZNF341-related conditions. ClinVar contains an entry for this variant (Variation ID: 1386537). An algorithm developed to predict the effect of missense changes on protein structure and function (PolyPhen-2) suggests that this variant is likely to be disruptive. In summary, the available evidence is currently insufficient to determine the role of this variant in disease. Therefore, it has been classified as a Variant of Uncertain Significance.

Blueprint Genetics
Classification: Uncertain significance. Last evaluated: 2024-06-28. Review status: criteria provided, single submitter. Criteria: ACMG Guidelines, 2015. Collection method: clinical testing. Allele origin: germline.

Ambry Genetics
Classification: Uncertain significance. Last evaluated: 2021-08-13. Review status: criteria provided, single submitter. Criteria: Ambry Variant Classification Scheme 2023. Collection method: clinical testing. Allele origin: germline.

NM_001282933.2(ZNF341):c.2230C>T (p.Arg744Trp)

Genes: ZNF341 (zinc finger protein 341; plus strand), ZNF341-AS1 (ZNF341 antisense RNA 1; minus strand). Cytogenetic location: 20q11.22.
Variant type: single nucleotide variant.
Coding change: c.2230C>T on transcript NM_001282933.2 (MANE Select); coding-DNA position 2230, C replaced by T.
Protein change: p.Arg744Trp; replaces arginine 744 with tryptophan.
Molecular consequence: missense variant. On other transcripts: non-coding transcript variant (1).
Genome position (GRCh38, 1-based): chr20:33,791,182, C>T. VCF-style: chr20-33791182-C-T. GRCh37 (hg19) VCF-style: chr20-32378988-C-T.
Other names: c.2209C>T (NM_032819.3); c.1960C>T, p.Arg654Trp (NM_001282935.2); c.2209C>T, p.Arg737Trp (NM_032819.5); short protein forms R654W, R737W, R744W.
Identifiers: ClinVar variation 1386537 (VCV001386537.6), dbSNP rs139969272, ClinGen allele CA9819743.